The following is an entry in ClinVar:

ClinVar aggregate classification (germline): Uncertain significance (1 of 4 stars; one submission).

Conditions:
Early-infantile DEE. Also called: Early infantile epileptic encephalopathy; Ohtahara syndrome; Early infantile epileptic encephalopathy with suppression bursts. Identifiers: Orphanet 1934, MedGen C0393706, MONDO:0800491.

Submission:

Labcorp Genetics (formerly Invitae), Labcorp
Classification: Uncertain significance for Early-infantile DEE. Last evaluated: 2024-04-30. Review status: criteria provided, single submitter. Criteria: Invitae Variant Classification Sherloc (09022015). Collection method: clinical testing. Allele origin: germline.
Comment: This sequence change replaces glutamic acid, which is acidic and polar, with glycine, which is neutral and non-polar, at codon 1404 of the SCN1A protein (p.Glu1404Gly). This variant is not present in population databases (gnomAD no frequency). This variant has not been reported in the literature in individuals affected with SCN1A-related conditions. Advanced modeling of protein sequence and biophysical properties (such as structural, functional, and spatial information, amino acid conservation, physicochemical variation, residue mobility, and thermodynamic stability) performed at Invitae indicates that this missense variant is not expected to disrupt SCN1A protein function with a negative predictive value of 95%. In summary, the available evidence is currently insufficient to determine the role of this variant in disease. Therefore, it has been classified as a Variant of Uncertain Significance.

NM_001165963.4(SCN1A):c.4211A>G (p.Glu1404Gly)

Genes: SCN1A (sodium voltage-gated channel alpha subunit 1; minus strand), LOC102724058 (uncharacterized LOC102724058; plus strand). Cytogenetic location: 2q24.3.
Variant type: single nucleotide variant.
Coding change: c.4211A>G on transcript NM_001165963.4 (MANE Select); coding-DNA position 4211, A replaced by G.
Protein change: p.Glu1404Gly; replaces glutamic acid 1404 with glycine.
Molecular consequence: missense variant. On other transcripts: non-coding transcript variant (1).
Genome position (GRCh38, 1-based): chr2:166,002,545, T>C on the plus strand (A>G on the coding strand, the complement: SCN1A is on the minus strand). VCF-style: chr2-166002545-T-C. GRCh37 (hg19) VCF-style: chr2-166859055-T-C.
Other names: c.4211A>G, p.Glu1404Gly (NM_001202435.3, NM_001353948.2); c.4178A>G, p.Glu1393Gly (NM_001353949.2, NM_001353950.2, NM_001353951.2 and 2 more transcripts); c.4175A>G, p.Glu1392Gly (NM_001353954.2, NM_001353955.2); c.4127A>G, p.Glu1376Gly (NM_001353957.2, NM_001165964.3, NM_001353958.2); c.4124A>G, p.Glu1375Gly (NM_001353960.2); c.1769A>G, p.Glu590Gly (NM_001353961.2); short protein forms E1376G, E1392G, E1404G, E1393G, E590G, E1375G.
Identifiers: ClinVar variation 3634016 (VCV003634016.2).